The following is an entry in ClinVar:

ClinVar aggregate classification (germline): Uncertain significance (1 of 4 stars; one submission).

Conditions:
Inborn genetic diseases. Identifiers: MedGen C0950123, MeSH D030342.

Allele frequency attached by ClinVar (database versions not stated): gnomAD exomes below 0.00001.
gnomAD v4.1: 1 of 1,614,222 alleles (0.000062%); highest among the groups gnomAD compares: Non-Finnish European, 0.000085%; no homozygotes.

Submission:

Ambry Genetics
Classification: Uncertain significance for Inborn genetic diseases. Last evaluated: 2023-11-02. Review status: criteria provided, single submitter. Criteria: Ambry Variant Classification Scheme 2023. Collection method: clinical testing. Allele origin: germline.
Comment: The p.I206V variant (also known as c.616A>G), located in coding exon 6 of the MDH2 gene, results from an A to G substitution at nucleotide position 616. The isoleucine at codon 206 is replaced by valine, an amino acid with highly similar properties. This amino acid position is conserved. In addition, the in silico prediction for this alteration is inconclusive. Since supporting evidence is limited at this time, the clinical significance of this alteration remains unclear.

NM_005918.4(MDH2):c.616A>G (p.Ile206Val)

Gene: MDH2 (malate dehydrogenase 2; plus strand). Cytogenetic location: 7q11.23.
Variant type: single nucleotide variant.
Coding change: c.616A>G on transcript NM_005918.4 (MANE Select); coding-DNA position 616, A replaced by G.
Protein change: p.Ile206Val; replaces isoleucine 206 with valine.
Molecular consequence: missense variant.
Genome position (GRCh38, 1-based): chr7:76,063,575, A>G. VCF-style: chr7-76063575-A-G. GRCh37 (hg19) VCF-style: chr7-75692893-A-G.
Other names: c.490A>G, p.Ile164Val (NM_001282403.2); c.295A>G, p.Ile99Val (NM_001282404.2); short protein forms I164V, I206V, I99V.
Identifiers: ClinVar variation 3225204 (VCV003225204.1), dbSNP rs1798010443, ClinGen allele CA367766866.